The following is an entry in ClinVar:

NM_001358235.2(DCHS2):c.7389dup (p.Tyr2464fs)

Genes: DCHS2 (dachsous cadherin-related 2; minus strand), DCHS2-AS1 (DCHS2 antisense RNA 1; plus strand). Cytogenetic location: 4q31.3.
Variant type: Duplication.
Coding change: c.7389dup on transcript NM_001358235.2 (MANE Select); coding-DNA position 7389, one base duplicated (G; older notation c.7389dupG).
Protein change: p.Tyr2464fs; shifts the reading frame from tyrosine 2464.
Molecular consequence: frameshift variant.
Genome position (GRCh38, 1-based): chr4:154,239,273, C duplicated on the plus strand (G on the coding strand, the reverse complement: DCHS2 is on the minus strand); the first of 4 consecutive C bases (chr4:154,239,273-154,239,276); duplicating any one gives the same sequence. VCF-style (leftmost placement, unchanged base first): chr4-154239272-A-AC. GRCh37 (hg19) VCF-style: chr4-155160424-A-AC.
Other names: short protein forms Y2464fs.
Identifiers: ClinVar variation 3037473 (VCV003037473.2), dbSNP rs546143621, ClinGen allele CA3112136.

ClinVar aggregate classification (germline): Benign (0 of 4 stars; one submission).

Conditions:
DCHS2-related disorder. Also called: DCHS2-related condition.

Submission:

PreventionGenetics, part of Exact Sciences
Classification: Benign for DCHS2-related condition. Last evaluated: 2019-02-27. Review status: no assertion criteria provided. Collection method: clinical testing. Allele origin: germline.
Comment: This variant is classified as benign based on ACMG/AMP sequence variant interpretation guidelines (Richards et al. 2015 PMID: 25741868, with internal and published modifications).